The following is an entry in ClinVar:

NM_020919.4(ALS2):c.1139A>C (p.Asn380Thr)

Gene: ALS2 (alsin Rho guanine nucleotide exchange factor ALS2; minus strand). Cytogenetic location: 2q33.1.
Variant type: single nucleotide variant.
Coding change: c.1139A>C on transcript NM_020919.4 (MANE Select); coding-DNA position 1139, A replaced by C.
Protein change: p.Asn380Thr; replaces asparagine 380 with threonine.
Molecular consequence: missense variant.
Genome position (GRCh38, 1-based): chr2:201,757,734, T>G on the plus strand (A>C on the coding strand, the complement: ALS2 is on the minus strand). VCF-style: chr2-201757734-T-G. GRCh37 (hg19) VCF-style: chr2-202622457-T-G.
Other names: short protein forms N380T.
Identifiers: ClinVar variation 1425789 (VCV001425789.8), dbSNP rs1014182274, ClinGen allele CA63968434.

ClinVar aggregate classification (germline): Uncertain significance (1 of 4 stars; one submission).

Conditions:
Infantile-onset ascending hereditary spastic paralysis (IAHSP). Also called: Autosomal Recessive Juvenile Amyotrophic Lateral Sclerosis; Infantile-Onset Ascending Hereditary Spastic Paralysis (IAHSP). Identifiers: Orphanet 293168, MedGen C2931441, MONDO:0011797, OMIM 607225. Disease mechanism: loss of function.

Allele frequency attached by ClinVar (database versions not stated): gnomAD 0.00001; TOPMed 0.00002.

Submission:

Labcorp Genetics (formerly Invitae), Labcorp
Classification: Uncertain significance for Infantile-onset ascending hereditary spastic paralysis. Last evaluated: 2022-07-08. Review status: criteria provided, single submitter. Criteria: Invitae Variant Classification Sherloc (09022015). Collection method: clinical testing. Allele origin: germline.
Comment: In summary, the available evidence is currently insufficient to determine the role of this variant in disease. Therefore, it has been classified as a Variant of Uncertain Significance. Algorithms developed to predict the effect of missense changes on protein structure and function (SIFT, PolyPhen-2, Align-GVGD) all suggest that this variant is likely to be tolerated. ClinVar contains an entry for this variant (Variation ID: 1425789). This variant has not been reported in the literature in individuals affected with ALS2-related conditions. This variant is not present in population databases (gnomAD no frequency). This sequence change replaces asparagine, which is neutral and polar, with threonine, which is neutral and polar, at codon 380 of the ALS2 protein (p.Asn380Thr).